The following is an entry in ClinVar:

ClinVar aggregate classification (germline): Pathogenic (1 of 4 stars; one submission).

Submission:

Labcorp Genetics (formerly Invitae), Labcorp
Classification: Pathogenic. Last evaluated: 2021-04-21. Review status: criteria provided, single submitter. Criteria: Invitae Variant Classification Sherloc (09022015). Collection method: clinical testing. Allele origin: germline.
Comment: For these reasons, this variant has been classified as Pathogenic. This variant has not been reported in the literature in individuals with FAM161A-related conditions. This sequence change creates a premature translational stop signal (p.Gln249Argfs*8) in the FAM161A gene. It is expected to result in an absent or disrupted protein product. Loss-of-function variants in FAM161A are known to be pathogenic (PMID: 20705278, 20705279, 24651477). This variant is not present in population databases (ExAC no frequency).

Literature cited by the submitters: PubMed 20705278; PubMed 20705279; PubMed 24651477.

NM_001201543.2(FAM161A):c.746del (p.Gln249fs)

Gene: FAM161A (FAM161 centrosomal protein A; minus strand). Cytogenetic location: 2p15.
Variant type: Deletion.
Coding change: c.746del on transcript NM_001201543.2 (MANE Select); coding-DNA position 746, one base deleted (A; older notation c.746delA).
Protein change: p.Gln249fs; shifts the reading frame from glutamine 249.
Molecular consequence: frameshift variant. On other transcripts: non-coding transcript variant (1).
Genome position (GRCh38, 1-based): chr2:61,840,258, T deleted on the plus strand (A on the coding strand, the reverse complement: FAM161A is on the minus strand). VCF-style (leftmost placement, unchanged base first): chr2-61840257-CT-C. GRCh37 (hg19) VCF-style: chr2-62067392-CT-C.
Other names: c.746del, p.Gln249fs (NM_032180.3); short protein forms Q249fs.
Identifiers: ClinVar variation 1456541 (VCV001456541.6), dbSNP rs2105082959, ClinGen allele CA2573135004.